The following is an entry in ClinVar:

NM_006767.4(LZTR1):c.1605C>T (p.Tyr535=)

Gene: LZTR1 (leucine zipper like post translational regulator 1; plus strand). Cytogenetic location: 22q11.21.
Variant type: single nucleotide variant.
Coding change: c.1605C>T on transcript NM_006767.4 (MANE Select); coding-DNA position 1605, C replaced by T.
Protein change: p.Tyr535=; no amino-acid change (tyrosine 535 retained).
Molecular consequence: synonymous variant.
Genome position (GRCh38, 1-based): chr22:20,994,259, C>T. VCF-style: chr22-20994259-C-T. GRCh37 (hg19) VCF-style: chr22-21348548-C-T.
Other names: p.Tyr535=.
Identifiers: ClinVar variation 1776257 (VCV001776257.8), dbSNP rs753347937, ClinGen allele CA322269277.

ClinVar aggregate classification (germline): Likely benign. Review status: criteria provided, multiple submitters, no conflicts (2 of 4 stars). 3 submissions from 3 submitters: Likely benign (3). Last evaluated 2025-09-02.

Conditions:
Cardiovascular phenotype. Identifiers: MedGen CN230736.
Hereditary cancer-predisposing syndrome. Also called: Neoplastic Syndromes, Hereditary; Tumor predisposition; Hereditary Cancer Syndrome; Hereditary neoplastic syndrome. Identifiers: Orphanet 140162, MedGen C0027672, MeSH D009386, MONDO:0015356.

Allele frequency attached by ClinVar (database versions not stated): TOPMed 0.00001.
gnomAD v4.1: 2 of 1,598,222 alleles (0.00013%); highest among the groups gnomAD compares: Non-Finnish European, 0.000085%; no homozygotes.

Submissions (3):

Mayo Clinic Laboratories, Mayo Clinic
Classification: Likely benign. Last evaluated: 2025-09-02. Review status: criteria provided, single submitter. Criteria: ACMG Guidelines, 2015. Collection method: clinical testing. Allele origin: germline. Observed: 1 variant allele.
Comment: BP4, BP7, PM2_supporting

Labcorp Genetics (formerly Invitae), Labcorp
Classification: Likely benign. Last evaluated: 2025-04-28. Review status: criteria provided, single submitter. Criteria: Invitae Variant Classification Sherloc (09022015). Collection method: clinical testing. Allele origin: germline.

Ambry Genetics
Classification: Likely benign for Cardiovascular phenotype; Hereditary cancer-predisposing syndrome. Last evaluated: 2022-02-24. Review status: criteria provided, single submitter. Criteria: Ambry Variant Classification Scheme 2023. Collection method: clinical testing. Allele origin: germline.